The following is an entry in ClinVar:

ClinVar aggregate classification (germline): Uncertain significance. Review status: criteria provided, multiple submitters, no conflicts (2 of 4 stars). 3 submissions from 3 submitters: Uncertain significance (3). Last evaluated 2025-05-08.

Conditions:
Intellectual developmental disorder, autosomal recessive 7. Also called: Intellectual disability, autosomal recessive 7. Identifiers: Orphanet 88616, MedGen C1970197, MONDO:0012615, OMIM 611093.
Inborn genetic diseases. Identifiers: MedGen C0950123, MeSH D030342.

Allele frequency attached by ClinVar (database versions not stated): gnomAD exomes 0.00001; TOPMed 0.00014; ExAC 0.00002.

Submissions (3):

Labcorp Genetics (formerly Invitae), Labcorp
Classification: Uncertain significance for Intellectual developmental disorder, autosomal recessive 7. Last evaluated: 2025-05-08. Review status: criteria provided, single submitter. Criteria: Invitae Variant Classification Sherloc (09022015). Collection method: clinical testing. Allele origin: germline.
Comment: This sequence change replaces arginine, which is basic and polar, with proline, which is neutral and non-polar, at codon 15 of the TUSC3 protein (p.Arg15Pro). This variant is present in population databases (rs760691014, gnomAD 0.02%). This variant has not been reported in the literature in individuals affected with TUSC3-related conditions. ClinVar contains an entry for this variant (Variation ID: 501273). Experimental studies and prediction algorithms are not available or were not evaluated, and the functional significance of this variant is currently unknown. In summary, the available evidence is currently insufficient to determine the role of this variant in disease. Therefore, it has been classified as a Variant of Uncertain Significance.

Ambry Genetics
Classification: Uncertain significance for Inborn genetic diseases. Last evaluated: 2025-04-14. Review status: criteria provided, single submitter. Criteria: Ambry Variant Classification Scheme 2023. Collection method: clinical testing. Allele origin: germline.

Eurofins Ntd Llc (ga)
Classification: Uncertain significance. Last evaluated: 2017-04-03. Review status: criteria provided, single submitter. Criteria: EGL Classification Definitions 2015. Collection method: clinical testing. Allele origin: germline. Observed: 1 variant allele, 1 heterozygote.

NM_006765.4(TUSC3):c.44G>C (p.Arg15Pro)

Gene: TUSC3 (tumor suppressor candidate 3; plus strand). Cytogenetic location: 8p22.
Variant type: single nucleotide variant.
Coding change: c.44G>C on transcript NM_006765.4 (MANE Select); coding-DNA position 44, G replaced by C.
Protein change: p.Arg15Pro; replaces arginine 15 with proline.
Molecular consequence: missense variant.
Genome position (GRCh38, 1-based): chr8:15,540,474, G>C. VCF-style: chr8-15540474-G-C. GRCh37 (hg19) VCF-style: chr8-15397983-G-C.
Other names: c.44G>C, p.Arg15Pro (NM_001356429.2, NM_178234.2); c.44G>C (NM_006765.3); short protein forms R15P.
Identifiers: ClinVar variation 501273 (VCV000501273.10), dbSNP rs760691014, ClinGen allele CA4640269.